The following is an entry in ClinVar:

ClinVar aggregate classification (germline): Uncertain significance (1 of 4 stars; one submission).

Conditions:
Fetal akinesia deformation sequence 1 (FADS1). Also called: Fetal akinesia sequence; Pena-Shokeir syndrome type I. Identifiers: Orphanet 994, MedGen C1276035, MONDO:0100101, OMIM 208150, HP:0001989.
Congenital myasthenic syndrome 9. Also called: Myasthenic syndrome, congenital, 9, associated with acetylcholine receptor deficiency. Identifiers: Orphanet 590, MedGen C4225368, MONDO:0014587, OMIM 616325.

Submission:

Labcorp Genetics (formerly Invitae), Labcorp
Classification: Uncertain significance for Congenital myasthenic syndrome 9; Fetal akinesia deformation sequence 1. Last evaluated: 2024-02-23. Review status: criteria provided, single submitter. Criteria: Invitae Variant Classification Sherloc (09022015). Collection method: clinical testing. Allele origin: germline.
Comment: This sequence change replaces proline, which is neutral and non-polar, with leucine, which is neutral and non-polar, at codon 160 of the MUSK protein (p.Pro160Leu). This variant is not present in population databases (gnomAD no frequency). This variant has not been reported in the literature in individuals affected with MUSK-related conditions. ClinVar contains an entry for this variant (Variation ID: 960369). Advanced modeling of protein sequence and biophysical properties (such as structural, functional, and spatial information, amino acid conservation, physicochemical variation, residue mobility, and thermodynamic stability) performed at Invitae indicates that this missense variant is not expected to disrupt MUSK protein function with a negative predictive value of 80%. In summary, the available evidence is currently insufficient to determine the role of this variant in disease. Therefore, it has been classified as a Variant of Uncertain Significance.

NM_005592.4(MUSK):c.479C>T (p.Pro160Leu)

Gene: MUSK (muscle associated receptor tyrosine kinase; plus strand). Cytogenetic location: 9q31.3.
Variant type: single nucleotide variant.
Coding change: c.479C>T on transcript NM_005592.4 (MANE Select); coding-DNA position 479, C replaced by T.
Protein change: p.Pro160Leu; replaces proline 160 with leucine.
Molecular consequence: missense variant.
Genome position (GRCh38, 1-based): chr9:110,695,523, C>T. VCF-style: chr9-110695523-C-T. GRCh37 (hg19) VCF-style: chr9-113457803-C-T.
Other names: c.479C>T, p.Pro160Leu (NM_001166280.2, NM_001166281.2); short protein forms P160L.
Identifiers: ClinVar variation 960369 (VCV000960369.10), dbSNP rs1308383168, ClinGen allele CA374665248.